The following is an entry in ClinVar:

NM_001376.5(DYNC1H1):c.4627C>T (p.Arg1543Trp)

Gene: DYNC1H1 (dynein cytoplasmic 1 heavy chain 1; plus strand). Cytogenetic location: 14q32.31.
Variant type: single nucleotide variant.
Coding change: c.4627C>T on transcript NM_001376.5 (MANE Select); coding-DNA position 4627, C replaced by T.
Protein change: p.Arg1543Trp; replaces arginine 1543 with tryptophan.
Molecular consequence: missense variant.
Genome position (GRCh38, 1-based): chr14:102,002,621, C>T. VCF-style: chr14-102002621-C-T. GRCh37 (hg19) VCF-style: chr14-102468958-C-T.
Other names: short protein forms R1543W.
Identifiers: ClinVar variation 851920 (VCV000851920.11), dbSNP rs1312121057, ClinGen allele CA391043152.

ClinVar aggregate classification (germline): Uncertain significance (1 of 4 stars; one submission).

Conditions:
Charcot-Marie-Tooth disease axonal type 2O. Also called: Charcot-Marie-Tooth disease, axonal, type 20; CHARCOT-MARIE-TOOTH NEUROPATHY, AXONAL, TYPE 2O; CHARCOT-MARIE-TOOTH DISEASE, AXONAL, AUTOSOMAL DOMINANT, TYPE 2O; Charcot-Marie-Tooth Neuropathy Type 2O. Identifiers: Orphanet 284232, MedGen C3280220, MONDO:0013644, OMIM 614228.

Allele frequency attached by ClinVar (database versions not stated): gnomAD exomes below 0.00001; gnomAD 0.00001; TOPMed 0.00001.
gnomAD v4.1: 6 of 1,613,994 alleles (0.00037%); highest among the groups gnomAD compares: Non-Finnish European, 0.00034%; no homozygotes.

Submission:

Labcorp Genetics (formerly Invitae), Labcorp
Classification: Uncertain significance for Charcot-Marie-Tooth disease axonal type 2O. Last evaluated: 2025-04-23. Review status: criteria provided, single submitter. Criteria: Invitae Variant Classification Sherloc (09022015). Collection method: clinical testing. Allele origin: germline.
Comment: This sequence change replaces arginine, which is basic and polar, with tryptophan, which is neutral and slightly polar, at codon 1543 of the DYNC1H1 protein (p.Arg1543Trp). This variant is present in population databases (no rsID available, gnomAD 0.002%). This missense change has been observed in individual(s) with Charcot-Marie-Tooth disease (internal data). ClinVar contains an entry for this variant (Variation ID: 851920). Invitae Evidence Modeling of protein sequence and biophysical properties (such as structural, functional, and spatial information, amino acid conservation, physicochemical variation, residue mobility, and thermodynamic stability) indicates that this missense variant is expected to disrupt DYNC1H1 protein function with a positive predictive value of 95%. In summary, the available evidence is currently insufficient to determine the role of this variant in disease. Therefore, it has been classified as a Variant of Uncertain Significance.